The following is an entry in ClinVar:

NM_004612.4(TGFBR1):c.43C>T (p.Leu15Phe)

Gene: TGFBR1 (transforming growth factor beta receptor 1; plus strand). Cytogenetic location: 9q22.33.
Variant type: single nucleotide variant.
Coding change: c.43C>T on transcript NM_004612.4 (MANE Select); coding-DNA position 43, C replaced by T.
Protein change: p.Leu15Phe; replaces leucine 15 with phenylalanine.
Molecular consequence: missense variant.
Genome position (GRCh38, 1-based): chr9:99,105,248, C>T. VCF-style: chr9-99105248-C-T. GRCh37 (hg19) VCF-style: chr9-101867530-C-T.
Other names: c.43C>T, p.Leu15Phe (NM_001130916.3, NM_001306210.2, NM_001407416.1 and 5 more transcripts); c.-301C>T (NM_001407420.1, NM_001407429.1); c.-270C>T (NM_001407422.1, NM_001407426.1); c.-225C>T (NM_001407428.1); short protein forms L15F.
Identifiers: ClinVar variation 2054881 (VCV002054881.4), dbSNP rs2490932922, ClinGen allele CA374223569.

ClinVar aggregate classification (germline): Uncertain significance (1 of 4 stars; one submission).

Conditions:
Familial thoracic aortic aneurysm and aortic dissection (TAAD). Also called: Thoracic aortic aneurysms and dissections. Identifiers: Orphanet 91387, MedGen C4707243, MONDO:0019625.

gnomAD v4.1: 1 of 1,063,690 alleles (0.000094%); no homozygotes.

Submission:

Labcorp Genetics (formerly Invitae), Labcorp
Classification: Uncertain significance for Familial thoracic aortic aneurysm and aortic dissection. Last evaluated: 2022-04-20. Review status: criteria provided, single submitter. Criteria: Invitae Variant Classification Sherloc (09022015). Collection method: clinical testing. Allele origin: germline.
Comment: In summary, the available evidence is currently insufficient to determine the role of this variant in disease. Therefore, it has been classified as a Variant of Uncertain Significance. Advanced modeling of protein sequence and biophysical properties (such as structural, functional, and spatial information, amino acid conservation, physicochemical variation, residue mobility, and thermodynamic stability) performed at Invitae indicates that this missense variant is not expected to disrupt TGFBR1 protein function. This variant has not been reported in the literature in individuals affected with TGFBR1-related conditions. The frequency data for this variant in the population databases is considered unreliable, as metrics indicate insufficient coverage at this position in the gnomAD database. This sequence change replaces leucine, which is neutral and non-polar, with phenylalanine, which is neutral and non-polar, at codon 15 of the TGFBR1 protein (p.Leu15Phe).